The following is an entry in ClinVar:

ClinVar aggregate classification (germline): Uncertain significance (1 of 4 stars; one submission).

Conditions:
Immunodeficiency 104. Also called: SCID, AUTOSOMAL RECESSIVE, T CELL-NEGATIVE, B CELL-POSITIVE, NK CELL-POSITIVE; Severe Combined Immune Deficiency, Autosomal Recessive, TCell -Negative, B Cell-Positive, NK Cell-Positive, IL7R-Related; IMMUNODEFICIENCY 104, SEVERE COMBINED; Severe combined immunodeficiency, autosomal recessive, T cell-negative, B cell-positive, NK cell-positive. Identifiers: MedGen C5676890, MONDO:0012163, OMIM 608971.

Submission:

Labcorp Genetics (formerly Invitae), Labcorp
Classification: Uncertain significance for Immunodeficiency 104. Last evaluated: 2020-08-19. Review status: criteria provided, single submitter. Criteria: Invitae Variant Classification Sherloc (09022015). Collection method: clinical testing. Allele origin: germline.
Comment: In summary, the available evidence is currently insufficient to determine the role of this variant in disease. Therefore, it has been classified as a Variant of Uncertain Significance. Advanced modeling of protein sequence and biophysical properties (such as structural, functional, and spatial information, amino acid conservation, physicochemical variation, residue mobility, and thermodynamic stability) performed at Invitae indicates that this missense variant is expected to disrupt IL7R protein function. This variant has not been reported in the literature in individuals with IL7R-related conditions. This variant is not present in population databases (ExAC no frequency). This sequence change replaces aspartic acid with histidine at codon 318 of the IL7R protein (p.Asp318His). The aspartic acid residue is highly conserved and there is a moderate physicochemical difference between aspartic acid and histidine.

NM_002185.5(IL7R):c.952G>C (p.Asp318His)

Gene: IL7R (interleukin 7 receptor; plus strand). Cytogenetic location: 5p13.2.
Variant type: single nucleotide variant.
Coding change: c.952G>C on transcript NM_002185.5 (MANE Select); coding-DNA position 952, G replaced by C.
Protein change: p.Asp318His; replaces aspartic acid 318 with histidine.
Molecular consequence: missense variant. On other transcripts: non-coding transcript variant (1).
Genome position (GRCh38, 1-based): chr5:35,876,058, G>C. VCF-style: chr5-35876058-G-C. GRCh37 (hg19) VCF-style: chr5-35876160-G-C.
Other names: short protein forms D318H.
Identifiers: ClinVar variation 1027340 (VCV001027340.9), dbSNP rs200521932, ClinGen allele CA359432409.